The following is an entry in ClinVar:

NM_021728.4(OTX2):c.203C>G (p.Thr68Ser)

Gene: OTX2 (orthodenticle homeobox 2; minus strand). Cytogenetic location: 14q22.3.
Variant type: single nucleotide variant.
Coding change: c.203C>G on transcript NM_021728.4 (MANE Select); coding-DNA position 203, C replaced by G.
Protein change: p.Thr68Ser; replaces threonine 68 with serine.
Molecular consequence: missense variant.
Genome position (GRCh38, 1-based): chr14:56,804,258, G>C on the plus strand (C>G on the coding strand, the complement: OTX2 is on the minus strand). VCF-style: chr14-56804258-G-C. GRCh37 (hg19) VCF-style: chr14-57270976-G-C.
Other names: c.179C>G, p.Thr60Ser (NM_001270523.2, NM_001270524.2, NM_172337.3); c.203C>G, p.Thr68Ser (NM_001270525.2); c.179C>G (NM_172337.1); short protein forms T68S, T60S.
Identifiers: ClinVar variation 1438982 (VCV001438982.8), dbSNP rs759256101, ClinGen allele CA390052391.

ClinVar aggregate classification (germline): Uncertain significance. Review status: criteria provided, multiple submitters, no conflicts (2 of 4 stars). 3 submissions from 3 submitters: Uncertain significance (3). Last evaluated 2022-10-25.

Conditions:
Inborn genetic diseases. Identifiers: MedGen C0950123, MeSH D030342.
Anophthalmia-microphthalmia syndrome. Also called: Anophthalmia - microphthalmia; Anophthalmia/Microphthalmia. Identifiers: Orphanet 98555, MedGen C5680330, MONDO:0020147.

Allele frequency attached by ClinVar (database versions not stated): TOPMed 0.00001; gnomAD 0.00002.

Submissions (3):

Labcorp Genetics (formerly Invitae), Labcorp
Classification: Uncertain significance for Anophthalmia-microphthalmia syndrome. Last evaluated: 2022-10-25. Review status: criteria provided, single submitter. Criteria: Invitae Variant Classification Sherloc (09022015). Collection method: clinical testing. Allele origin: germline.
Comment: Algorithms developed to predict the effect of missense changes on protein structure and function (SIFT, PolyPhen-2, Align-GVGD) all suggest that this variant is likely to be disruptive. In summary, the available evidence is currently insufficient to determine the role of this variant in disease. Therefore, it has been classified as a Variant of Uncertain Significance. ClinVar contains an entry for this variant (Variation ID: 1438982). This variant has not been reported in the literature in individuals affected with OTX2-related conditions. This variant is present in population databases (no rsID available, gnomAD 0.0009%). This sequence change replaces threonine, which is neutral and polar, with serine, which is neutral and polar, at codon 60 of the OTX2 protein (p.Thr60Ser).

Blueprint Genetics
Classification: Uncertain significance. Last evaluated: 2022-05-26. Review status: criteria provided, single submitter. Criteria: ACMG Guidelines, 2015. Collection method: clinical testing. Allele origin: germline.

Ambry Genetics
Classification: Uncertain significance for Inborn genetic diseases. Last evaluated: 2022-02-24. Review status: criteria provided, single submitter. Criteria: Ambry Variant Classification Scheme 2023. Collection method: clinical testing. Allele origin: germline.